The following is an entry in ClinVar:

ClinVar aggregate classification (germline): Conflicting classifications of pathogenicity. Review status: criteria provided, conflicting classifications (1 of 4 stars). 2 submissions from 2 submitters: Uncertain significance (1); Likely benign (1). Last evaluated 2026-01-26.

Conditions:
Inborn genetic diseases. Identifiers: MedGen C0950123, MeSH D030342.
Hereditary spastic paraplegia 30. Identifiers: Orphanet 101010, MedGen C5235139, MONDO:0012476.
Neuropathy, hereditary sensory, type 2C. Also called: Hereditary sensory and autonomic neuropathy type IIC; KIF1A-Related HSAN2 (HSAN2C). Identifiers: Orphanet 970, MedGen C3280168, MONDO:0013634, OMIM 614213.
Intellectual disability, autosomal dominant 9 (NESCAVS). Also called: NESCAV SYNDROME; KIF1A-Related Neurodevelopmental Disorder. Identifiers: Orphanet 662367, MedGen C5393830, MONDO:0013656, OMIM 614255.

Allele frequency attached by ClinVar (database versions not stated): gnomAD exomes 0.00001.
gnomAD v4.1: 55 of 1,546,788 alleles (0.0036%); highest among the groups gnomAD compares: Non-Finnish European, 0.0044%; no homozygotes.

Submissions (2):

Labcorp Genetics (formerly Invitae), Labcorp
Classification: Likely benign for Hereditary spastic paraplegia 30; Neuropathy, hereditary sensory, type 2C; Intellectual disability, autosomal dominant 9. Last evaluated: 2026-01-26. Review status: criteria provided, single submitter. Criteria: Invitae Variant Classification Sherloc (09022015). Collection method: clinical testing. Allele origin: germline.

Ambry Genetics
Classification: Uncertain significance for Inborn genetic diseases. Last evaluated: 2020-11-20. Review status: criteria provided, single submitter. Criteria: Ambry Variant Classification Scheme 2023. Collection method: clinical testing. Allele origin: germline.
Comment: The p.R1550Q variant (also known as c.4649G>A), located in coding exon 42 of the KIF1A gene, results from a G to A substitution at nucleotide position 4649. The arginine at codon 1550 is replaced by glutamine, an amino acid with highly similar properties. This amino acid position is not well conserved in available vertebrate species. In addition, this alteration is predicted to be tolerated by in silico analysis. Since supporting evidence is limited at this time, the clinical significance of this alteration remains unclear.

NM_001244008.2(KIF1A):c.4649G>A (p.Arg1550Gln)

Gene: KIF1A (kinesin family member 1A; minus strand). Cytogenetic location: 2q37.3.
Variant type: single nucleotide variant.
Coding change: c.4649G>A on transcript NM_001244008.2 (MANE Select); coding-DNA position 4649, G replaced by A.
Protein change: p.Arg1550Gln; replaces arginine 1550 with glutamine.
Molecular consequence: missense variant.
Genome position (GRCh38, 1-based): chr2:240,722,472, C>T on the plus strand (G>A on the coding strand, the complement: KIF1A is on the minus strand). VCF-style: chr2-240722472-C-T. GRCh37 (hg19) VCF-style: chr2-241661889-C-T.
Other names: c.4373G>A, p.Arg1458Gln (NM_001320705.2, NM_001379649.1); c.4400G>A, p.Arg1467Gln (NM_001330289.2); c.4448G>A, p.Arg1483Gln (NM_001330290.2, NM_001379648.1); c.4724G>A, p.Arg1575Gln (NM_001379631.1); c.4625G>A, p.Arg1542Gln (NM_001379632.1); c.4622G>A, p.Arg1541Gln (NM_001379633.1, NM_001379645.1); c.4475G>A, p.Arg1492Gln (NM_001379634.1); c.4472G>A, p.Arg1491Gln (NM_001379635.1, NM_001379646.1); and 7 more; short protein forms R1449Q, R1458Q, R1467Q, R1483Q, R1550Q, R1448Q, R1457Q, R1466Q.
Identifiers: ClinVar variation 854900 (VCV000854900.10), dbSNP rs952804990, ClinGen allele CA68137472.